The following is an entry in ClinVar:

ClinVar aggregate classification (germline): Uncertain significance (0 of 4 stars; one submission).

Conditions:
SEMA3G-related disorder. Also called: SEMA3G-related condition.

Submission:

PreventionGenetics, part of Exact Sciences
Classification: Uncertain significance for SEMA3G-related condition. Last evaluated: 2023-12-15. Review status: no assertion criteria provided. Collection method: clinical testing. Allele origin: germline.
Comment: The SEMA3G c.364G>T variant is predicted to result in the amino acid substitution p.Val122Leu. To our knowledge, this variant has not been reported in the literature. This variant is reported in 0.0054% of alleles in individuals of East Asian descent in gnomAD. At this time, the clinical significance of this variant is uncertain due to the absence of conclusive functional and genetic evidence.

NM_020163.3(SEMA3G):c.364G>T (p.Val122Leu)

Gene: SEMA3G (semaphorin 3G; minus strand). Cytogenetic location: 3p21.1.
Variant type: single nucleotide variant.
Coding change: c.364G>T on transcript NM_020163.3 (MANE Select); coding-DNA position 364, G replaced by T.
Protein change: p.Val122Leu; replaces valine 122 with leucine.
Molecular consequence: missense variant.
Genome position (GRCh38, 1-based): chr3:52,442,280, C>A on the plus strand (G>T on the coding strand, the complement: SEMA3G is on the minus strand). VCF-style: chr3-52442280-C-A. GRCh37 (hg19) VCF-style: chr3-52476296-C-A.
Other names: short protein forms V122L.
Identifiers: ClinVar variation 3354234 (VCV003354234.1).